The following is an entry in ClinVar:

ClinVar aggregate classification (germline): Uncertain significance (1 of 4 stars; one submission).

Conditions:
Classic or attenuated familial adenomatous polyposis. Identifiers: MedGen CN372698, MONDO:0021057.

Submission:

All of Us Research Program, National Institutes of Health
Classification: Uncertain significance for Classic or attenuated familial adenomatous polyposis. Last evaluated: 2023-11-30. Review status: criteria provided, single submitter. Criteria: ACMG Guidelines, 2015. Collection method: clinical testing. Allele origin: germline. Inheritance: Autosomal dominant inheritance. Observed: 1 variant allele, 1 heterozygote.
Comment: This study involves interpretation of variants in research participants for the purpose of population health screening. Participant phenotype was not available at the time of variant classification. Additional details can be found in publication PMID: 35346344, PMCID: PMC8962531

NM_000038.6(APC):c.6218G>T (p.Gly2073Val)

Gene: APC (APC regulator of WNT signaling pathway; plus strand). Cytogenetic location: 5q22.2.
Variant type: single nucleotide variant.
Coding change: c.6218G>T on transcript NM_000038.6 (MANE Select); coding-DNA position 6218, G replaced by T.
Protein change: p.Gly2073Val; replaces glycine 2073 with valine.
Molecular consequence: missense variant. On other transcripts: non-coding transcript variant (2).
Genome position (GRCh38, 1-based): chr5:112,841,812, G>T. VCF-style: chr5-112841812-G-T. GRCh37 (hg19) VCF-style: chr5-112177509-G-T.
Other names: c.6218G>T, p.Gly2073Val (NM_001127510.3, NM_001354895.2, NM_001407450.1); c.6164G>T, p.Gly2055Val (NM_001127511.3); c.6272G>T, p.Gly2091Val (NM_001354896.2, NM_001407447.1, NM_001407448.1 and 1 more transcripts); c.6248G>T, p.Gly2083Val (NM_001354897.2); c.6143G>T, p.Gly2048Val (NM_001354898.2); c.6134G>T, p.Gly2045Val (NM_001354899.2); c.6095G>T, p.Gly2032Val (NM_001354900.2); c.6041G>T, p.Gly2014Val (NM_001354901.2, NM_001407453.1); and 11 more; short protein forms G1689V, G1790V, G1913V, G1944V, G1947V, G1972V, G1982V, G1990V.
Identifiers: ClinVar variation 3073917 (VCV003073917.1), dbSNP rs1766164614, ClinGen allele CA16034953.